The following is an entry in ClinVar:

NM_000400.4(ERCC2):c.1900_1902+13del

Gene: ERCC2 (ERCC excision repair 2, TFIIH core complex helicase subunit; minus strand). Cytogenetic location: 19q13.32.
Variant type: Deletion.
Coding change: c.1900_1902+13del on transcript NM_000400.4 (MANE Select); coding-DNA position 1900 through 13 bases into the intron after coding-DNA position 1902, 16 bases deleted (AAGGTGAGTAGCTCTG).
Molecular consequence: splice donor variant.
Genome position (GRCh38, 1-based): chr19:45,352,733-45,352,748, CAGAGCTACTCACCTT deleted on the plus strand (AAGGTGAGTAGCTCTG on the coding strand, the reverse complement: ERCC2 is on the minus strand). VCF-style (leftmost placement, unchanged base first): chr19-45352732-ACAGAGCTACTCACCTT-A. GRCh37 (hg19) VCF-style: chr19-45855990-ACAGAGCTACTCACCTT-A.
Other names: c.1777_1779+13del (NM_001440357.1); c.1822_1824+13del (NM_001440356.1); c.1828_1830+13del (NM_001440355.1).
Identifiers: ClinVar variation 4081858 (VCV004081858.1).
Genomic context (GRCh38, chr19:45,352,732, plus strand): 5'-GCTGGGGAGGTGGGGGAGCCACTCCTCCCTTGATCCTAACACTGTGGGACTCCCTGGGAG[ACAGAGCTACTCACCTT>A]GAGAATGCGGCTCTGTGTGTAGACGTAGGGGACGCCAAACATGATGACGGCCCGCCCGTA-3'

ClinVar aggregate classification (germline): Likely pathogenic (1 of 4 stars; one submission).

Conditions:
ERCC2-related disorder. Also called: ERCC2-related conditions; ERCC2-related condition; ERCC2-related disorders. Identifiers: MedGen CN239291.

Submission:

Myriad Genetics, Inc.
Classification: Likely pathogenic for ERCC2-related disorder. Last evaluated: 2025-04-30. Review status: criteria provided, single submitter. Criteria: Myriad Autosomal Dominant, Autosomal Recessive and X-Linked Classification Criteria (2023). Collection method: clinical testing. Allele origin: unknown.
Comment: NM_000400.3(ERCC2):c.1900_1902+13del16 is a variant in a canonical splice site classified as likely pathogenic in the context of ERCC2-related disorders. c.1900_1902+13del16 has not been observed in cases with relevant disease. Relevant functional assessments of this variant are not available in the literature. c.1900_1902+13del16 has not been observed in referenced population frequency databases. In summary, NM_000400.3(ERCC2):c.1900_1902+13del16 is a variant in a canonical splice site in a gene where loss of function is a known mechanism of disease and is predicted to disrupt protein function. Please note: this variant was assessed in the context of healthy population screening.